The following is an entry in ClinVar:

ClinVar aggregate classification (germline): Uncertain significance (1 of 4 stars; one submission).

Submission:

Mayo Clinic Laboratories, Mayo Clinic
Classification: Uncertain significance. Last evaluated: 2024-02-15. Review status: criteria provided, single submitter. Criteria: ACMG Guidelines, 2015. Collection method: clinical testing. Allele origin: germline. Observed: 1 variant allele.
Comment: PM2_moderate

NM_000312.4(PROC):c.-18G>T

Gene: PROC (protein C, inactivator of coagulation factors Va and VIIIa; plus strand). Cytogenetic location: 2q14.3.
Variant type: single nucleotide variant.
Coding change: c.-18G>T on transcript NM_000312.4 (MANE Select); 18 bases upstream of the start codon, G replaced by T.
Molecular consequence: 5 prime UTR variant. On other transcripts: missense variant (2), splice acceptor variant (4), intron variant (1).
Genome position (GRCh38, 1-based): chr2:127,419,925, G>T. VCF-style: chr2-127419925-G-T. GRCh37 (hg19) VCF-style: chr2-128177501-G-T.
Other names: p.?; c.166G>T, p.Gly56Cys (NM_001375602.1); c.-18G>T (NM_001375605.1, NM_001375608.1, NM_001375610.1 and 1 more transcripts); c.102G>T, p.Gln34His (NM_001375607.1); c.-17-1G>T (NM_001375611.1); c.47-1G>T (NM_001375606.1, NM_001375603.1, NM_001375604.1); c.47-1358G>T (NM_001375609.1); short protein forms G56C, Q34H.
Identifiers: ClinVar variation 3380833 (VCV003380833.1).